The following is an entry in ClinVar:

NM_032043.3(BRIP1):c.1795-17A>G

Gene: BRIP1 (BRCA1 interacting DNA helicase 1; minus strand). Cytogenetic location: 17q23.2.
Variant type: single nucleotide variant.
Coding change: c.1795-17A>G on transcript NM_032043.3 (MANE Select); 17 bases into the intron before coding-DNA position 1795, A replaced by G.
Molecular consequence: intron variant.
Genome position (GRCh38, 1-based): chr17:61,780,418, T>C on the plus strand (A>G on the coding strand, the complement: BRIP1 is on the minus strand). VCF-style: chr17-61780418-T-C. GRCh37 (hg19) VCF-style: chr17-59857779-T-C.
Identifiers: ClinVar variation 925450 (VCV000925450.8), dbSNP rs1567812766, ClinGen allele CA913187807.

ClinVar aggregate classification (germline): Conflicting classifications of pathogenicity. Review status: criteria provided, conflicting classifications (1 of 4 stars). 2 submissions from 2 submitters: Uncertain significance (1); Likely benign (1). Last evaluated 2023-03-12.

Conditions:
Familial cancer of breast. Also called: hereditary breast carcinoma; BREAST CANCER, FAMILIAL; Hereditary breast cancer. Identifiers: Orphanet 227535, MedGen C0346153, MONDO:0016419, OMIM 114480. Disease mechanism: loss of function.
Fanconi anemia complementation group J. Also called: BRIP1-Related Fanconi Anemia. Identifiers: Orphanet 84, MedGen C1836860, MONDO:0012187, OMIM 609054.
Hereditary cancer-predisposing syndrome. Also called: Hereditary Cancer Syndrome; Hereditary neoplastic syndrome; Neoplastic Syndromes, Hereditary; Tumor predisposition. Identifiers: Orphanet 140162, MedGen C0027672, MeSH D009386, MONDO:0015356.

Allele frequency attached by ClinVar (database versions not stated): gnomAD exomes below 0.00001.
gnomAD v4.1: 1 of 1,598,506 alleles (0.000063%); highest among the groups gnomAD compares: East Asian, 0.0022%; no homozygotes.

Submissions (2):

Labcorp Genetics (formerly Invitae), Labcorp
Classification: Uncertain significance for Familial cancer of breast; Fanconi anemia complementation group J. Last evaluated: 2023-03-12. Review status: criteria provided, single submitter. Criteria: Invitae Variant Classification Sherloc (09022015). Collection method: clinical testing. Allele origin: germline.
Comment: This sequence change falls in intron 12 of the BRIP1 gene. It does not directly change the encoded amino acid sequence of the BRIP1 protein. This variant is not present in population databases (gnomAD no frequency). This variant has not been reported in the literature in individuals affected with BRIP1-related conditions. ClinVar contains an entry for this variant (Variation ID: 925450). Studies have shown that this variant is associated with altered splicing resulting in unknown protein product impact (Invitae). In summary, the available evidence is currently insufficient to determine the role of this variant in disease. Therefore, it has been classified as a Variant of Uncertain Significance.

Color Diagnostics, LLC DBA Color Health
Classification: Likely benign for Hereditary cancer-predisposing syndrome. Last evaluated: 2018-11-12. Review status: criteria provided, single submitter. Criteria: ACMG Guidelines, 2015. Collection method: clinical testing. Allele origin: germline.